The following is an entry in ClinVar:

NM_001376.5(DYNC1H1):c.9471G>T (p.Ala3157=)

Gene: DYNC1H1 (dynein cytoplasmic 1 heavy chain 1; plus strand). Cytogenetic location: 14q32.31.
Variant type: single nucleotide variant.
Coding change: c.9471G>T on transcript NM_001376.5 (MANE Select); coding-DNA position 9471, G replaced by T.
Protein change: p.Ala3157=; no amino-acid change (alanine 3157 retained).
Molecular consequence: synonymous variant.
Genome position (GRCh38, 1-based): chr14:102,029,541, G>T. VCF-style: chr14-102029541-G-T. GRCh37 (hg19) VCF-style: chr14-102495878-G-T.
Identifiers: ClinVar variation 917212 (VCV000917212.11), dbSNP rs151255069, ClinGen allele CA7353236.

ClinVar aggregate classification (germline): Likely benign. Review status: criteria provided, multiple submitters, no conflicts (2 of 4 stars). 4 submissions from 4 submitters: Likely benign (4). Last evaluated 2025-07-02.

Conditions:
Charcot-Marie-Tooth disease axonal type 2O. Also called: CHARCOT-MARIE-TOOTH NEUROPATHY, AXONAL, TYPE 2O; CHARCOT-MARIE-TOOTH DISEASE, AXONAL, AUTOSOMAL DOMINANT, TYPE 2O; Charcot-Marie-Tooth disease, axonal, type 20; Charcot-Marie-Tooth Neuropathy Type 2O. Identifiers: Orphanet 284232, MedGen C3280220, MONDO:0013644, OMIM 614228.
Charcot-Marie-Tooth disease. Also called: Charcot-Marie-Tooth Neuropathy; Charcot-Marie-Tooth Hereditary Neuropathy. Identifiers: Orphanet 166, MedGen C0007959, MONDO:0015626.

gnomAD v4.1: 8 of 1,614,056 alleles (0.0005%); highest among the groups gnomAD compares: Non-Finnish European, 0.00068%; no homozygotes.

Submissions (4):

Women's Health and Genetics/Laboratory Corporation of America, LabCorp
Classification: Likely benign. Last evaluated: 2025-07-02. Review status: criteria provided, single submitter. Criteria: LabCorp Variant Classification Summary - May 2015. Collection method: clinical testing. Allele origin: germline.
Comment: Variant summary: DYNC1H1 c.9471G>T alters a conserved nucleotide resulting in a synonymous change. Consensus agreement among computation tools predict no significant impact on normal splicing. However, these predictions have yet to be confirmed by functional studies. The variant allele was found at a frequency of 4e-06 in 251388 control chromosomes. The available data on variant occurrences in the general population are insufficient to allow any conclusion about variant significance. To our knowledge, no occurrence of c.9471G>T in individuals affected with Charcot-Marie-Tooth disease axonal type 2O and no experimental evidence demonstrating its impact on protein function have been reported. ClinVar contains an entry for this variant (Variation ID: 917212). Based on the evidence outlined above, the variant was classified as likely benign.

Labcorp Genetics (formerly Invitae), Labcorp
Classification: Likely benign for Charcot-Marie-Tooth disease axonal type 2O. Last evaluated: 2024-08-06. Review status: criteria provided, single submitter. Criteria: Invitae Variant Classification Sherloc (09022015). Collection method: clinical testing. Allele origin: germline.

Blueprint Genetics
Classification: Likely benign. Last evaluated: 2024-07-11. Review status: criteria provided, single submitter. Criteria: ACMG Guidelines, 2015. Collection method: clinical testing. Allele origin: germline.

Molecular Genetics Laboratory, London Health Sciences Centre
Classification: Likely benign for Charcot-Marie-Tooth disease. Review status: criteria provided, single submitter. Criteria: ACMG Guidelines, 2015. Collection method: clinical testing. Allele origin: germline. Affected: yes.